The following is an entry in ClinVar:

ClinVar aggregate classification (germline): Likely benign (0 of 4 stars; one submission).

Conditions:
PLPP6-related disorder. Also called: PLPP6-related condition.

Allele frequency attached by ClinVar (database versions not stated): ESP Exome Variant Server 0.00138; 1000 Genomes Project 0.00140; ExAC 0.00163; gnomAD 0.00169; 1000 Genomes Project 30x 0.00203; TOPMed 0.00206; gnomAD exomes 0.00258.
gnomAD v4.1: 4,003 of 1,614,148 alleles (0.25%); highest among the groups gnomAD compares: Admixed American, 0.52%; 14 homozygotes.

Submission:

PreventionGenetics, part of Exact Sciences
Classification: Likely benign for PLPP6-related condition. Last evaluated: 2022-09-20. Review status: no assertion criteria provided. Collection method: clinical testing. Allele origin: germline.
Comment: This variant is classified as likely benign based on ACMG/AMP sequence variant interpretation guidelines (Richards et al. 2015 PMID: 25741868, with internal and published modifications).

NM_203453.5(PLPP6):c.749G>C (p.Arg250Thr)

Genes: PLPP6 (phospholipid phosphatase 6; plus strand), SPATA6L (spermatogenesis associated 6 like; minus strand). Cytogenetic location: 9p24.1.
Variant type: single nucleotide variant.
Coding change: c.749G>C on transcript NM_203453.5 (MANE Select); coding-DNA position 749, G replaced by C.
Protein change: p.Arg250Thr; replaces arginine 250 with threonine.
Molecular consequence: missense variant. On other transcripts: intron variant (6).
Genome position (GRCh38, 1-based): chr9:4,663,124, G>C. VCF-style: chr9-4663124-G-C. GRCh37 (hg19) VCF-style: chr9-4663124-G-C.
Other names: c.40-1088C>G (NM_001039395.4, NM_001353484.2, NM_001353486.2 and 2 more transcripts); c.-606-1088C>G (NM_001353491.2); short protein forms R250T.
Identifiers: ClinVar variation 3044176 (VCV003044176.2), dbSNP rs41279553, ClinGen allele CA4970175.